The following is an entry in ClinVar:

NM_018417.6(ADCY10):c.229T>C (p.Tyr77His)

Genes: ADCY10 (adenylate cyclase 10; minus strand), DCAF6 (DDB1 and CUL4 associated factor 6; plus strand). Cytogenetic location: 1q24.2.
Variant type: single nucleotide variant.
Coding change: c.229T>C on transcript NM_018417.6 (MANE Select); coding-DNA position 229, T replaced by C.
Protein change: p.Tyr77His; replaces tyrosine 77 with histidine.
Molecular consequence: missense variant. On other transcripts: 5 prime UTR variant (1), intron variant (1).
Genome position (GRCh38, 1-based): chr1:167,903,911, A>G on the plus strand (T>C on the coding strand, the complement: ADCY10 is on the minus strand). VCF-style: chr1-167903911-A-G. GRCh37 (hg19) VCF-style: chr1-167873149-A-G.
Other names: c.-85T>C (NM_001297772.2); c.-62-1857T>C (NM_001167749.3); c.229T>C (NM_018417.4); short protein forms Y77H.
Identifiers: ClinVar variation 1426702 (VCV001426702.10), dbSNP rs148603197, ClinGen allele CA31401944.

ClinVar aggregate classification (germline): Conflicting classifications of pathogenicity. Review status: criteria provided, conflicting classifications (1 of 4 stars). 3 submissions from 3 submitters: Uncertain significance (2); Likely benign (1). Last evaluated 2025-05-30.

Conditions:
Familial idiopathic hypercalciuria (HCA2). Also called: Hypercalciuria, absorptive, 2; Hypercalciuria, absorptive, susceptibility to. Identifiers: MedGen C0342639, MONDO:0007748, OMIM 143870.

Allele frequency attached by ClinVar (database versions not stated): gnomAD exomes below 0.00001 and 0.00004; gnomAD 0.00004 and 0.00005; TOPMed 0.00004; ESP Exome Variant Server 0.00008.
gnomAD v4.1: 69 of 1,613,008 alleles (0.0043%); highest among the groups gnomAD compares: Non-Finnish European, 0.0058%; no homozygotes.

Submissions (3):

Ambry Genetics
Classification: Likely benign. Last evaluated: 2025-05-30. Review status: criteria provided, single submitter. Criteria: Ambry Variant Classification Scheme 2023. Collection method: clinical testing. Allele origin: germline.

Fulgent Genetics
Classification: Uncertain significance for Familial idiopathic hypercalciuria. Last evaluated: 2022-05-07. Review status: criteria provided, single submitter. Criteria: ACMG Guidelines, 2015. Collection method: clinical testing. Allele origin: unknown.

Labcorp Genetics (formerly Invitae), Labcorp
Classification: Uncertain significance. Last evaluated: 2021-05-19. Review status: criteria provided, single submitter. Criteria: Invitae Variant Classification Sherloc (09022015). Collection method: clinical testing. Allele origin: germline.
Comment: Algorithms developed to predict the effect of missense changes on protein structure and function output the following: SIFT: "Tolerated"; PolyPhen-2: "Benign"; Align-GVGD: "Class C0". The histidine amino acid residue is found in multiple mammalian species, suggesting that this missense change does not adversely affect protein function. These predictions have not been confirmed by published functional studies and their clinical significance is uncertain. This variant has not been reported in the literature in individuals with ADCY10-related conditions. This variant is not present in population databases (ExAC no frequency). This sequence change replaces tyrosine with histidine at codon 77 of the ADCY10 protein (p.Tyr77His). The tyrosine residue is weakly conserved and there is a moderate physicochemical difference between tyrosine and histidine. In summary, the available evidence is currently insufficient to determine the role of this variant in disease. Therefore, it has been classified as a Variant of Uncertain Significance.